The following is an entry in ClinVar:

ClinVar aggregate classification (germline): Pathogenic (1 of 4 stars; one submission).

Submission:

GeneDx
Classification: Pathogenic. Last evaluated: 2024-06-17. Review status: criteria provided, single submitter. Criteria: GeneDx Variant Classification Process June 2021. Collection method: clinical testing. Allele origin: germline. Affected: yes.
Comment: Frameshift variant predicted to result in protein truncation or nonsense mediated decay in a gene for which loss of function is a known mechanism of disease; Not observed at significant frequency in large population cohorts (gnomAD); This variant is associated with the following publications: (PMID: 19810120)

NM_000127.3(EXT1):c.120_121del (p.His40fs)

Gene: EXT1 (exostosin glycosyltransferase 1; minus strand). Cytogenetic location: 8q24.11.
Variant type: Microsatellite.
Coding change: c.120_121del on transcript NM_000127.3 (MANE Select); coding-DNA positions 120 to 121, 2 bases deleted (CA; older notation c.120_121delCA).
Protein change: p.His40fs; shifts the reading frame from histidine 40.
Molecular consequence: frameshift variant.
Genome position (GRCh38, 1-based): chr8:118,110,926-118,110,927, TG deleted on the plus strand (CA on the coding strand, the reverse complement: EXT1 is on the minus strand); deleting any 2 consecutive bases within chr8:118,110,926-118,110,930 gives the same sequence; the c. name uses the placement nearest the transcript's 3' end. VCF-style (leftmost placement, unchanged base first): chr8-118110925-CTG-C. GRCh37 (hg19) VCF-style: chr8-119123164-CTG-C.
Other names: c.117_118AC[1], p.His40Glnfs (NM_000127.2); c.120_121del (NM_000127.2); short protein forms H40fs.
Identifiers: ClinVar variation 3391475 (VCV003391475.1).